The following is an entry in ClinVar:

ClinVar aggregate classification (germline): Uncertain significance. Review status: criteria provided, multiple submitters, no conflicts (2 of 4 stars). 2 submissions from 2 submitters: Uncertain significance (2). Last evaluated 2025-08-24.

Conditions:
Hereditary cancer-predisposing syndrome. Also called: Neoplastic Syndromes, Hereditary; Tumor predisposition; Hereditary Cancer Syndrome; Hereditary neoplastic syndrome. Identifiers: Orphanet 140162, MedGen C0027672, MeSH D009386, MONDO:0015356.

Allele frequency attached by ClinVar (database versions not stated): gnomAD exomes below 0.00001 and 0.00001; TOPMed below 0.00001; gnomAD 0.00001; ExAC 0.00002.
gnomAD v4.1: 5 of 1,608,750 alleles (0.00031%); highest among the groups gnomAD compares: Non-Finnish European, 0.00042%; no homozygotes.

Submissions (2):

Labcorp Genetics (formerly Invitae), Labcorp
Classification: Uncertain significance. Last evaluated: 2025-08-24. Review status: criteria provided, single submitter. Criteria: Invitae Variant Classification Sherloc (09022015). Collection method: clinical testing. Allele origin: germline.
Comment: This sequence change replaces glutamic acid, which is acidic and polar, with lysine, which is basic and polar, at codon 713 of the POLE protein (p.Glu713Lys). This variant is present in population databases (rs751870998, gnomAD 0.002%). This variant has not been reported in the literature in individuals affected with POLE-related conditions. ClinVar contains an entry for this variant (Variation ID: 473514). Invitae Evidence Modeling of protein sequence and biophysical properties (such as structural, functional, and spatial information, amino acid conservation, physicochemical variation, residue mobility, and thermodynamic stability) indicates that this missense variant is not expected to disrupt POLE protein function with a negative predictive value of 80%. In summary, the available evidence is currently insufficient to determine the role of this variant in disease. Therefore, it has been classified as a Variant of Uncertain Significance.

Ambry Genetics
Classification: Uncertain significance for Hereditary cancer-predisposing syndrome. Last evaluated: 2025-05-16. Review status: criteria provided, single submitter. Criteria: Ambry Variant Classification Scheme 2023. Collection method: clinical testing. Allele origin: germline.
Comment: The p.E713K variant (also known as c.2137G>A), located in coding exon 19 of the POLE gene, results from a G to A substitution at nucleotide position 2137. The glutamic acid at codon 713 is replaced by lysine, an amino acid with similar properties. This amino acid position is highly conserved in available vertebrate species. In addition, the in silico prediction for this alteration is inconclusive. Based on the available evidence, the clinical significance of this variant remains unclear.

NM_006231.4(POLE):c.2137G>A (p.Glu713Lys)

Gene: POLE (DNA polymerase epsilon, catalytic subunit; minus strand). Cytogenetic location: 12q24.33.
Variant type: single nucleotide variant.
Coding change: c.2137G>A on transcript NM_006231.4 (MANE Select); coding-DNA position 2137, G replaced by A.
Protein change: p.Glu713Lys; replaces glutamic acid 713 with lysine.
Molecular consequence: missense variant.
Genome position (GRCh38, 1-based): chr12:132,668,392, C>T on the plus strand (G>A on the coding strand, the complement: POLE is on the minus strand). VCF-style: chr12-132668392-C-T. GRCh37 (hg19) VCF-style: chr12-133244978-C-T.
Other names: c.2137G>A (NM_006231.2); short protein forms E713K.
Identifiers: ClinVar variation 473514 (VCV000473514.10), dbSNP rs751870998, ClinGen allele CA6893668.